The following is an entry in ClinVar:

NM_000257.4(MYH7):c.5030G>A (p.Arg1677His)

Genes: MHRT (myosin heavy chain associated RNA transcript; plus strand), MYH7 (myosin heavy chain 7; minus strand), LOC126861897 (BRD4-independent group 4 enhancer GRCh37_chr14:23884455-23885654; plus strand). Cytogenetic location: 14q11.2.
Variant type: single nucleotide variant.
Coding change: c.5030G>A on transcript NM_000257.4 (MANE Select); coding-DNA position 5030, G replaced by A.
Protein change: p.Arg1677His; replaces arginine 1677 with histidine.
Molecular consequence: missense variant. On other transcripts: non-coding transcript variant (1).
Genome position (GRCh38, 1-based): chr14:23,415,756, C>T on the plus strand (G>A on the coding strand, the complement: MYH7 is on the minus strand). VCF-style: chr14-23415756-C-T. GRCh37 (hg19) VCF-style: chr14-23884965-C-T.
Other names: p.R1677H:CGC>CAC; c.5030G>A (LRG_384t1); short protein forms R1677H.
Identifiers: ClinVar variation 181393 (VCV000181393.26), dbSNP rs730880914, ClinGen allele CA015595.

ClinVar aggregate classification (germline): Conflicting classifications of pathogenicity. Review status: criteria provided, conflicting classifications (1 of 4 stars). 10 submissions from 10 submitters: Pathogenic (1); Uncertain significance (8). 1 of the submissions does not count toward it. Last evaluated 2026-07-15.

Conditions:
MYH7-related disorder. Also called: MYH7-related condition; MYH7-related disease; MYH7-related disorders.
Hypertrophic cardiomyopathy 1 (CMH1). Also called: Familial hypertrophic cardiomyopathy 1; MYH7-Related Familial Hypertrophic Cardiomyopathy. Identifiers: MedGen C3495498, MONDO:0008647, OMIM 192600.
Myosin storage myopathy (CMYO7A). Also called: MYH7-related late-onset scapuloperoneal muscular dystrophy; Congenital myopathy 7A, myosin storage, autosomal dominant; MYOPATHY, HYALINE BODY, AUTOSOMAL DOMINANT; MYOPATHY WITH LYSIS OF TYPE I MYOFIBRILS; SCAPULOPERONEAL MUSCULAR DYSTROPHY; SCAPULOPERONEAL SYNDROME, MYOPATHIC TYPE. Identifiers: Orphanet 437572, Orphanet 636965, MedGen C1842160, MONDO:0008409, OMIM 608358.
Dilated cardiomyopathy 1S (CMD1S). Identifiers: Orphanet 154, Orphanet 54260, MedGen C1834481, MONDO:0013262, OMIM 613426.
Congenital myopathy with fiber type disproportion. Also called: Congenital fiber-type disproportion myopathy; Congenital fiber-type disproportion. Identifiers: Orphanet 2020, MedGen C0546264, MONDO:0009711. Inheritance: all.
MYH7-related skeletal myopathy. Also called: Myopathy, distal, 1; Laing distal myopathy; Laing early-onset distal myopathy; MYOPATHY, DISTAL, EARLY-ONSET, AUTOSOMAL DOMINANT; MYOPATHY, LATE DISTAL HEREDITARY. Identifiers: Orphanet 59135, MedGen C4552004, MONDO:0008050, OMIM 160500.
Myopathy, myosin storage, autosomal recessive (CMYO7B). Also called: CONGENITAL MYOPATHY 7B, MYOSIN STORAGE, AUTOSOMAL RECESSIVE. Identifiers: Orphanet 636970, MedGen C1850709, MONDO:0009708, OMIM 255160.
Cardiovascular phenotype. Identifiers: MedGen CN230736.
Cardiomyopathy (CMYO). Also called: Cardiomyopathies. Identifiers: Orphanet 167848, MedGen C0878544, MONDO:0004994, HP:0001638. Inheritance: Various modes of inheritance.
Hypertrophic cardiomyopathy. Also called: HYPERTROPHIC MYOCARDIOPATHY. Identifiers: Orphanet 217569, MedGen C0007194, MeSH D002312, MONDO:0005045, HP:0001639.
Primary dilated cardiomyopathy (DCM). Also called: Dilated Cardiomyopathy. Identifiers: Orphanet 217604, MedGen C0007193, MeSH D002311, MONDO:0005021, HP:0001644. Inheritance: Various modes of inheritance.

Allele frequency attached by ClinVar (database versions not stated): gnomAD 0.00001; TOPMed 0.00001; gnomAD exomes 0.00002; ExAC 0.00005.
gnomAD v4.1: 27 of 1,614,080 alleles (0.0017%); highest among the groups gnomAD compares: East Asian, 0.0022%; no homozygotes.

Submissions (10):

Ambry Genetics
Classification: Uncertain significance for Cardiovascular phenotype. Last evaluated: 2026-07-15. Review status: criteria provided, single submitter. Criteria: Ambry Variant Classification Scheme 2023. Collection method: clinical testing. Allele origin: germline.
Comment: The p.R1677H variant (also known as c.5030G>A), located in coding exon 33 of the MYH7 gene, results from a G to A substitution at nucleotide position 5030. The arginine at codon 1677 is replaced by histidine, an amino acid with highly similar properties. This variant was reported in individual(s) with features consistent with dilated cardiomyopathy (Waldm&uuml;ller S et al. Eur J Heart Fail, 2011 Nov;13:1185-92; external communication; Ambry internal data). This amino acid position is highly conserved in available vertebrate species. In addition, this alteration is predicted to be deleterious by in silico analysis. Based on the available evidence, the clinical significance of this variant remains unclear.

Labcorp Genetics (formerly Invitae), Labcorp
Classification: Pathogenic for Hypertrophic cardiomyopathy. Last evaluated: 2025-12-15. Review status: criteria provided, single submitter. Criteria: Invitae Variant Classification Sherloc (09022015). Collection method: clinical testing. Allele origin: germline.
Comment: This sequence change replaces arginine, which is basic and polar, with histidine, which is basic and polar, at codon 1677 of the MYH7 protein (p.Arg1677His). This variant is present in population databases (rs730880914, gnomAD 0.005%). This missense change has been observed in individuals with MYH7-related conditions (PMID: 21750094, 24111713, 30188508; internal data). ClinVar contains an entry for this variant (Variation ID: 181393). Invitae Evidence Modeling of protein sequence and biophysical properties (such as structural, functional, and spatial information, amino acid conservation, physicochemical variation, residue mobility, and thermodynamic stability) indicates that this missense variant is expected to disrupt MYH7 protein function with a positive predictive value of 95%. This variant disrupts the p.Arg1677 amino acid residue in MYH7. Other variant(s) that disrupt this residue have been determined to be pathogenic (internal data). This suggests that this residue is clinically significant, and that variants that disrupt this residue are likely to be disease-causing. For these reasons, this variant has been classified as Pathogenic.

Genomic Medicine Center of Excellence, King Faisal Specialist Hospital and Research Centre
Classification: Uncertain significance for Myosin storage myopathy. Last evaluated: 2024-09-22. Review status: criteria provided, single submitter. Criteria: ACMG Guidelines, 2015. Collection method: clinical testing. Allele origin: germline.

All of Us Research Program, National Institutes of Health
Classification: Uncertain significance for Cardiomyopathy. Last evaluated: 2024-05-30. Review status: criteria provided, single submitter. Criteria: ACMG Guidelines, 2015. Collection method: clinical testing. Allele origin: germline. Inheritance: Autosomal dominant inheritance. Observed: 4 variant alleles, 4 heterozygotes.
Comment: This missense variant replaces arginine with histidine at codon 1677 of the MYH7 protein. Computational prediction suggests that this variant may have a deleterious impact on protein structure and function (internally defined REVEL score threshold >= 0.7, PMID: 27666373). To our knowledge, functional studies have not been reported for this variant. This variant has been reported in two individuals affected with dilated cardiomyopathy (PMID: 21750094), in an individual affected with hypertrophic cardiomyopathy (PMID: 24111713, 28971120), and in an individual affected with left ventricular noncompaction (PMID: 30188508). This variant has been identified in 6/282764 chromosomes in the general population by the Genome Aggregation Database (gnomAD). The available evidence is insufficient to determine the role of this variant in disease conclusively. Therefore, this variant is classified as a Variant of Uncertain Significance.

This study involves interpretation of variants in research participants for the purpose of population health screening. Participant phenotype was not available at the time of variant classification. Additional details can be found in publication PMID: 35346344, PMCID: PMC8962531

Color Diagnostics, LLC DBA Color Health
Classification: Uncertain significance for Cardiomyopathy. Last evaluated: 2024-05-08. Review status: criteria provided, single submitter. Criteria: ACMG Guidelines, 2015. Collection method: clinical testing. Allele origin: germline.
Comment: This missense variant replaces arginine with histidine at codon 1677 of the MYH7 protein. Computational prediction tools indicate that this variant has a deleterious impact on protein structure and function. To our knowledge, functional studies have not been reported for this variant. This variant has been reported in two individuals affected with dilated cardiomyopathy (PMID: 21750094), in one individual affected with hypertrophic cardiomyopathy (PMID: 24111713, 28971120), and in one individual affected with left ventricular noncompaction (PMID: 30188508, 32600061). This variant has been identified in 6/282764 chromosomes in the general population by the Genome Aggregation Database (gnomAD). The available evidence is insufficient to determine the role of this variant in disease conclusively. Therefore, this variant is classified as a Variant of Uncertain Significance.

Fulgent Genetics
Classification: Uncertain significance for MYH7-related skeletal myopathy; Myosin storage myopathy; Hypertrophic cardiomyopathy 1; Myopathy, myosin storage, autosomal recessive; Congenital myopathy 4A, autosomal dominant; Dilated cardiomyopathy 1S. Last evaluated: 2021-11-09. Review status: criteria provided, single submitter. Criteria: ACMG Guidelines, 2015. Collection method: clinical testing. Allele origin: unknown.

Blueprint Genetics
Classification: Uncertain significance. Last evaluated: 2020-01-08. Review status: criteria provided, single submitter. Criteria: ACMG Guidelines, 2015. Collection method: clinical testing. Allele origin: germline.

GeneDx
Classification: Uncertain significance. Last evaluated: 2016-08-12. Review status: criteria provided, single submitter. Criteria: GeneDx Variant Classification (06012015). Collection method: clinical testing. Allele origin: germline. Affected: yes.
Comment: The R1677H variant in the MYH7 gene was first identified via direct sequencing of the MYBPC3 and MYH7 genes in two individuals with DCM (Waldmuller et al., 2011). This variant was also identified in the heterozygous state in another individual with DCM who was evaluated with a multi-gene panel (Berge et al., 2014). However, for all reported individuals, additional clinical information, familial segregation information, and in vitro functional studies were not included. The R1677H variant is a conservative amino acid substitution, which is not likely to impact secondary protein structure as these residues share similar properties. This substitution occurs at a position that is conserved across species. In silico analysis predicts this variant is probably damaging to the protein structure/function. The R1677H variant was not observed in approximately 6,500 individuals of European and African American ancestry in the NHLBI Exome Sequencing Project, indicating it is not a common benign variant in these populations. Therefore, it is unclear if R1677H is a pathogenic or benign variant.

Genetics and Genomics Program, Sidra Medicine
Classification: Uncertain significance for Primary dilated cardiomyopathy. Review status: criteria provided, single submitter. Criteria: ACMG Guidelines, 2015. Collection method: research. Allele origin: unknown. Affected: yes. Observed: 1 variant allele.

PreventionGenetics, part of Exact Sciences
Classification: Uncertain significance for MYH7-related condition. Last evaluated: 2024-08-14. Review status: no assertion criteria provided. Collection method: clinical testing. Allele origin: germline. Not counted in ClinVar's aggregate classification.
Comment: The MYH7 c.5030G>A variant is predicted to result in the amino acid substitution p.Arg1677His. This variant was reported in individuals with dilated cardiomyopathy, hypertrophic cardiomyopathy, or left ventricular noncompaction (Table S1, Waldmüller et al. 2011. PubMed ID: 21750094; Bergeet al. 2014. PubMed ID: 24111713; Dejgaard et al. 2017. PubMed ID: 28971120; Table S3, Takasaki et al. 2018. PubMed ID: 30188508; Table S5, Hirono et al. 2020. PubMed ID: 32600061). However, this variant was also documented in the general population (Table S2, Dewar et al. 2017. PubMed ID: 28807990; Table S6, Park et al. 2022. PubMed ID: 34542152). This variant is reported in 0.0046% of alleles in individuals of European (Non-Finnish) descent in gnomAD and is interpreted as a variant of uncertain significance in ClinVar. At this time, the clinical significance of this variant is uncertain due to the absence of conclusive functional and genetic evidence.

Literature cited by the submitters: PubMed 21750094 (cited by 4 submitters); PubMed 24111713 (cited by 4 submitters); PubMed 28807990 (cited by Ambry Genetics); PubMed 28971120 (cited by 3 submitters); PubMed 30188508 (cited by 4 submitters); PubMed 34137518 (cited by Ambry Genetics); PubMed 34542152 (cited by Ambry Genetics); PubMed 35653365 (cited by Ambry Genetics); PubMed 32600061 (cited by Color Diagnostics, LLC DBA Color Health).